The following is an entry in ClinVar:

NM_198252.3(GSN):c.2046G>A (p.Thr682=)

Gene: GSN (gelsolin; plus strand). Cytogenetic location: 9q33.2.
Variant type: single nucleotide variant.
Coding change: c.2046G>A on transcript NM_198252.3 (MANE Select); coding-DNA position 2046, G replaced by A.
Protein change: p.Thr682=; no amino-acid change (threonine 682 retained).
Molecular consequence: synonymous variant.
Genome position (GRCh38, 1-based): chr9:121,332,453, G>A. VCF-style: chr9-121332453-G-A. GRCh37 (hg19) VCF-style: chr9-124094731-G-A.
Other names: c.2199G>A, p.Thr733= (NM_000177.5); c.2046G>A, p.Thr682= (NM_001127662.2, NM_001127664.2, NM_001127665.2 and 10 more transcripts); c.2154G>A, p.Thr718= (NM_001127663.2); c.2079G>A, p.Thr693= (NM_001127666.2, NM_001127667.2, NM_001353063.2 and 13 more transcripts); c.2097G>A, p.Thr699= (NM_001258029.2); c.2070G>A, p.Thr690= (NM_001258030.2); c.2118G>A, p.Thr706= (NM_001353076.2); c.1392G>A, p.Thr464= (NM_001353078.2).
Identifiers: ClinVar variation 364829 (VCV000364829.17), dbSNP rs747385746, ClinGen allele CA5221529.

ClinVar aggregate classification (germline): Benign/Likely benign. Review status: criteria provided, multiple submitters, no conflicts (2 of 4 stars). 5 submissions from 5 submitters: Benign (2); Likely benign (3). Last evaluated 2025-11-25.

Conditions:
GSN-related disorder. Also called: GSN-related condition.
Inborn genetic diseases. Identifiers: MedGen C0950123, MeSH D030342.
Finnish type amyloidosis. Also called: AMYLOID CRANIAL NEUROPATHY WITH LATTICE CORNEAL DYSTROPHY; AMYLOIDOSIS DUE TO MUTANT GELSOLIN; AMYLOIDOSIS, HEREDITARY SYSTEMIC 4, FINNISH TYPE; Amyloidosis, familial, Finnish type; Meretoja type amyloidosis; Amyloidosis 5. Identifiers: Orphanet 85448, MedGen C1622345, MONDO:0007097, OMIM 105120.

Allele frequency attached by ClinVar (database versions not stated): gnomAD 0.00011; TOPMed 0.00021; ExAC 0.00025.
gnomAD v4.1: 102 of 1,614,026 alleles (0.0063%); highest among the groups gnomAD compares: Admixed American, 0.14%; no homozygotes.

Submissions (5):

Labcorp Genetics (formerly Invitae), Labcorp
Classification: Benign. Last evaluated: 2025-11-25. Review status: criteria provided, single submitter. Criteria: Invitae Variant Classification Sherloc (09022015). Collection method: clinical testing. Allele origin: germline.

PreventionGenetics, part of Exact Sciences
Classification: Likely benign for GSN-related condition. Last evaluated: 2025-10-15. Review status: criteria provided, single submitter. Criteria: ACMG Guidelines, 2015. Collection method: clinical testing. Allele origin: germline.
Comment: This variant is classified as likely benign based on ACMG/AMP sequence variant interpretation guidelines (Richards et al. 2015 PMID: 25741868, with internal and published modifications).

Fulgent Genetics
Classification: Likely benign for Finnish type amyloidosis. Last evaluated: 2021-08-16. Review status: criteria provided, single submitter. Criteria: ACMG Guidelines, 2015. Collection method: clinical testing. Allele origin: unknown.

Ambry Genetics
Classification: Likely benign for Inborn genetic diseases. Last evaluated: 2019-07-11. Review status: criteria provided, single submitter. Criteria: Ambry Variant Classification Scheme 2023. Collection method: clinical testing. Allele origin: germline.

Illumina Laboratory Services, Illumina
Classification: Benign for Finnish type amyloidosis. Last evaluated: 2018-01-12. Review status: criteria provided, single submitter. Criteria: ICSL Variant Classification Criteria 13 December 2019. Collection method: clinical testing. Allele origin: germline.
Comment: This variant was observed in the ICSL laboratory as part of a predisposition screen in an ostensibly healthy population. It had not been previously curated by ICSL or reported in the Human Gene Mutation Database (HGMD: prior to June 1st, 2018), and was therefore a candidate for classification through an automated scoring system. Utilizing variant allele frequency, disease prevalence and penetrance estimates, and inheritance mode, an automated score was calculated to assess if this variant is too frequent to cause the disease. Based on the score and internal cut-off values, a variant classified as benign is not then subjected to further curation. The score for this variant resulted in a classification of benign for this disease.